The following is an entry in ClinVar:

ClinVar aggregate classification (germline): Pathogenic (1 of 4 stars; one submission).

Conditions:
Duchenne muscular dystrophy (DMD). Also called: Duchenne Muscular Dystrophy (DMD); MUSCULAR DYSTROPHY, PSEUDOHYPERTROPHIC PROGRESSIVE, DUCHENNE TYPE. Identifiers: Orphanet 98896, MedGen C0013264, MONDO:0010679, OMIM 310200.

Submission:

Labcorp Genetics (formerly Invitae), Labcorp
Classification: Pathogenic for Duchenne muscular dystrophy. Last evaluated: 2021-08-12. Review status: criteria provided, single submitter. Criteria: Invitae Variant Classification Sherloc (09022015). Collection method: clinical testing. Allele origin: germline.
Comment: This variant is a gross deletion of the genomic region encompassing exon(s) 14-44 of the DMD gene. This variant would be expected to be in-frame, preserving the integrity of the reading frame. A similar copy number variant has been observed in individual(s) with DMD-related conditions (Invitae). The region of the DMD gene that includes exon(s) 28-44 has been determined to be clinically significant (PMID: 11409318, 17561468, 19937601). Therefore, deletions that encompass that region are likely to be disease-causing. For these reasons, this variant has been classified as Pathogenic.

Literature cited by the submitters: PubMed 11409318; PubMed 17561468; PubMed 19937601.

NC_000023.11:g.(?_32216906)_(32573856_?)del

Gene: DMD (dystrophin; minus strand). Cytogenetic location: Xp21.1.
Variant type: Deletion.
Identifiers: ClinVar variation 833262 (VCV000833262.7).